The following is an entry in ClinVar:

NM_004667.6(HERC2):c.4582C>T (p.Leu1528Phe)

Gene: HERC2 (HECT and RLD domain containing E3 ubiquitin protein ligase 2; minus strand). Cytogenetic location: 15q13.1.
Variant type: single nucleotide variant.
Coding change: c.4582C>T on transcript NM_004667.6 (MANE Select); coding-DNA position 4582, C replaced by T.
Protein change: p.Leu1528Phe; replaces leucine 1528 with phenylalanine.
Molecular consequence: missense variant.
Genome position (GRCh38, 1-based): chr15:28,233,239, G>A on the plus strand (C>T on the coding strand, the complement: HERC2 is on the minus strand). VCF-style: chr15-28233239-G-A. GRCh37 (hg19) VCF-style: chr15-28478385-G-A.
Other names: c.4582C>T (NM_004667.4); short protein forms L1528F.
Identifiers: ClinVar variation 1031464 (VCV001031464.5), dbSNP rs780527731, ClinGen allele CA7442609.

ClinVar aggregate classification (germline): Uncertain significance. Review status: criteria provided, multiple submitters, no conflicts (2 of 4 stars). 4 submissions from 4 submitters: Uncertain significance (4). Last evaluated 2025-09-02.

Conditions:
Developmental delay with autism spectrum disorder and gait instability (MRT38). Also called: Intellectual developmental disorder, autosomal recessive 38. Identifiers: Orphanet 329195, MedGen C3809753, MONDO:0014224, OMIM 615516.
Inborn genetic diseases. Identifiers: MedGen C0950123, MeSH D030342.

Allele frequency attached by ClinVar (database versions not stated): ExAC 0.00007; TOPMed 0.00002.
gnomAD v4.1: 17 of 1,599,130 alleles (0.0011%); highest among the groups gnomAD compares: Admixed American, 0.027%; no homozygotes.

Submissions (4):

Dasa
Classification: Uncertain significance. Last evaluated: 2025-09-02. Review status: criteria provided, single submitter. Criteria: DASA Assertion Criteria. Collection method: clinical testing. Allele origin: germline.
Comment: NM_004667.6(HERC2):c.4582C>T (p.Leu1528Phe) is a missense variant that results in the substitution of leucine with phenylalanine. This variant is rare in population databases. The currently available literature and clinical evidence are not sufficient to establish a definitive association between this variant and the reported condition. Therefore, this variant is classified as a variant of uncertain significance.

Ambry Genetics
Classification: Uncertain significance for Inborn genetic diseases. Last evaluated: 2025-02-20. Review status: criteria provided, single submitter. Criteria: Ambry Variant Classification Scheme 2023. Collection method: clinical testing. Allele origin: germline.

Women's Health and Genetics/Laboratory Corporation of America, LabCorp
Classification: Uncertain significance. Last evaluated: 2022-05-05. Review status: criteria provided, single submitter. Criteria: LabCorp Variant Classification Summary - May 2015. Collection method: clinical testing. Allele origin: germline.
Comment: Variant summary: HERC2 c.4582C>T (p.Leu1528Phe) results in a non-conservative amino acid change in the encoded protein sequence. Three of five in-silico tools predict a damaging effect of the variant on protein function. The variant allele was found at a frequency of 5.6e-05 in 248950 control chromosomes. This frequency does not allow any conclusion about variant significance. To our knowledge, no occurrence of c.4582C>T in individuals affected with Intellectual Developmental Disorder, Autosomal Recessive 38 and no experimental evidence demonstrating its impact on protein function have been reported. One clinical diagnostic laboratory has submitted clinical-significance assessments for this variant to ClinVar after 2014 and classified the variant as uncertain significance. Based on the evidence outlined above, the variant was classified as uncertain significance.

Baylor Genetics
Classification: Uncertain significance for Developmental delay with autism spectrum disorder and gait instability. Last evaluated: 2018-01-25. Review status: criteria provided, single submitter. Criteria: ACMG Guidelines, 2015. Collection method: clinical testing. Allele origin: maternal. Affected: yes.
Comment: This variant was determined to be of uncertain significance according to ACMG Guidelines, 2015 [PMID:25741868].